The following is an entry in ClinVar:

NM_015662.3(IFT172):c.3604G>T (p.Val1202Leu)

Genes: IFT172 (intraflagellar transport 172; minus strand), LOC126806173 (BRD4-independent group 4 enhancer GRCh37_chr2:27676057-27677256; plus strand). Cytogenetic location: 2p23.3.
Variant type: single nucleotide variant.
Coding change: c.3604G>T on transcript NM_015662.3 (MANE Select); coding-DNA position 3604, G replaced by T.
Protein change: p.Val1202Leu; replaces valine 1202 with leucine.
Molecular consequence: missense variant.
Genome position (GRCh38, 1-based): chr2:27,454,089, C>A on the plus strand (G>T on the coding strand, the complement: IFT172 is on the minus strand). VCF-style: chr2-27454089-C-A. GRCh37 (hg19) VCF-style: chr2-27676956-C-A.
Other names: c.3538G>T, p.Val1180Leu (NM_001410739.1); short protein forms V1180L, V1202L.
Identifiers: ClinVar variation 2415049 (VCV002415049.5), dbSNP rs2465836467, ClinGen allele CA346378515.

ClinVar aggregate classification (germline): Uncertain significance (1 of 4 stars; one submission).

Conditions:
Short-rib thoracic dysplasia 10 with or without polydactyly (SRTD10). Identifiers: Orphanet 474, MedGen C3810175, MONDO:0014284, OMIM 615630.
Retinitis pigmentosa 71 (RP71). Identifiers: Orphanet 791, MedGen C4225342, MONDO:0014618, OMIM 616394.

Submission:

Labcorp Genetics (formerly Invitae), Labcorp
Classification: Uncertain significance for Retinitis pigmentosa 71; Short-rib thoracic dysplasia 10 with or without polydactyly. Last evaluated: 2022-03-20. Review status: criteria provided, single submitter. Criteria: Invitae Variant Classification Sherloc (09022015). Collection method: clinical testing. Allele origin: germline.
Comment: In summary, the available evidence is currently insufficient to determine the role of this variant in disease. Therefore, it has been classified as a Variant of Uncertain Significance. Algorithms developed to predict the effect of missense changes on protein structure and function are either unavailable or do not agree on the potential impact of this missense change (SIFT: "Deleterious"; PolyPhen-2: "Possibly Damaging"; Align-GVGD: "Class C0"). This variant has not been reported in the literature in individuals affected with IFT172-related conditions. This variant is not present in population databases (gnomAD no frequency). This sequence change replaces valine, which is neutral and non-polar, with leucine, which is neutral and non-polar, at codon 1202 of the IFT172 protein (p.Val1202Leu).